The following is an entry in ClinVar:

ClinVar aggregate classification (germline): Pathogenic (1 of 4 stars; one submission).

Conditions:
Autosomal recessive limb-girdle muscular dystrophy type 2A (LGMDR1). Also called: Muscular dystrophy, limb-girdle, type 2A, Amish; LEYDEN-MOEBIUS MUSCULAR DYSTROPHY; MUSCULAR DYSTROPHY, PELVOFEMORAL; Limb-girdle muscular dystrophy, type 2A; Calpainopathy. Identifiers: Orphanet 267, MedGen C1869123, MONDO:0009675, OMIM 253600. Disease mechanism: loss of function.

Submission:

Labcorp Genetics (formerly Invitae), Labcorp
Classification: Pathogenic for Autosomal recessive limb-girdle muscular dystrophy type 2A. Last evaluated: 2022-08-20. Review status: criteria provided, single submitter. Criteria: Invitae Variant Classification Sherloc (09022015). Collection method: clinical testing. Allele origin: germline.
Comment: This sequence change creates a premature translational stop signal (p.Trp130Cysfs*9) in the CAPN3 gene. It is expected to result in an absent or disrupted protein product. Loss-of-function variants in CAPN3 are known to be pathogenic (PMID: 10330340, 15689361). For these reasons, this variant has been classified as Pathogenic. This variant has not been reported in the literature in individuals affected with CAPN3-related conditions. This variant is not present in population databases (gnomAD no frequency).

Literature cited by the submitters: PubMed 10330340; PubMed 15689361.

NM_000070.3(CAPN3):c.390del (p.Trp130fs)

Genes: CAPN3 (calpain 3; plus strand), LOC126862115 (BRD4-independent group 4 enhancer GRCh37_chr15:42677734-42678933; plus strand). Cytogenetic location: 15q15.1.
Variant type: Deletion.
Coding change: c.390del on transcript NM_000070.3 (MANE Select); coding-DNA position 390, one base deleted (G; older notation c.390delG).
Protein change: p.Trp130fs; shifts the reading frame from tryptophan 130.
Molecular consequence: frameshift variant.
Genome position (GRCh38, 1-based): chr15:42,386,177, G deleted; the last of 2 consecutive G bases (chr15:42,386,176-42,386,177); deleting either gives the same sequence. VCF-style (leftmost placement, unchanged base first): chr15-42386175-TG-T. GRCh37 (hg19) VCF-style: chr15-42678373-TG-T.
Other names: c.*83delG (NM_212467.2); c.390del, p.Trp130fs (NM_024344.2, NM_173087.2); c.129delG, p.Trp43Cysfs (NM_212464.2); short protein forms W130fs.
Identifiers: ClinVar variation 2025275 (VCV002025275.4), dbSNP rs2548255691, ClinGen allele CA2580089404.